The following is an entry in ClinVar:

NM_016592.5(GNAS):c.680G>A (p.Arg227His)

Genes: GNAS (GNAS complex locus; plus strand), GNAS-AS1 (GNAS antisense RNA 1; minus strand). Cytogenetic location: 20q13.32.
Variant type: single nucleotide variant.
Coding change: c.680G>A on transcript NM_016592.5 (MANE Plus Clinical); coding-DNA position 680, G replaced by A.
Protein change: p.Arg227His; replaces arginine 227 with histidine.
Molecular consequence: missense variant. On other transcripts: 5 prime UTR variant (1).
Genome position (GRCh38, 1-based): chr20:58,840,786, G>A. VCF-style: chr20-58840786-G-A. GRCh37 (hg19) VCF-style: chr20-57415841-G-A.
Other names: c.-58G>A (NM_001410912.1); short protein forms R227H.
Identifiers: ClinVar variation 4995920 (VCV004995920.1).
Genomic context (GRCh38, chr20:58,840,786, plus strand): 5'-CGAAGGAGCCCAAGGAGGAGAAGCAGCGGCGTCGCTGCAAGCCAAAGAAGCCCACCCGCC[G>A]TGACGCGTCCCCGGAGTCCCCTTCCAAAAAGGGACCCATCCCCATCCGGCGTCACTAATG-3'
Protein context (NP_057676.1, residues 217-237): RRCKPKKPTR[Arg227His]DASPESPSKK

ClinVar aggregate classification (germline): Uncertain significance (1 of 4 stars; one submission).

Conditions:
GNAS-related disorder. Identifiers: MedGen CN380105.

gnomAD v4.1: 4 of 1,611,578 alleles (0.00025%); highest among the groups gnomAD compares: Middle Eastern, 0.017%; no homozygotes.

Submission:

PreventionGenetics, part of Exact Sciences
Classification: Uncertain significance for GNAS-related condition. Last evaluated: 2026-01-13. Review status: criteria provided, single submitter. Criteria: ACMG Guidelines, 2015. Collection method: clinical testing. Allele origin: germline.
Comment: The GNAS c.680G>A variant is predicted to result in the amino acid substitution p.Arg227His. To our knowledge, this variant has not been reported in the literature. This variant is reported in 0.00091% of alleles in individuals of European (Non-Finnish) descent in gnomAD. At this time, the clinical significance of this variant is uncertain due to the absence of conclusive functional and genetic evidence.